The following is an entry in ClinVar:

ClinVar aggregate classification (germline): Pathogenic/Likely pathogenic. Review status: criteria provided, multiple submitters, no conflicts (2 of 4 stars). 3 submissions from 3 submitters: Pathogenic (1); Likely pathogenic (2). Last evaluated 2026-04-01.

Conditions:
Congenital anomaly of kidney and urinary tract. Also called: Congenital anomalies of the kidney and urinary tract; Congenital anomalies of kidney and urinary tract. Identifiers: Orphanet 93545, MedGen C1968949, MeSH C566906, MONDO:0019719.
Congenital heart disease (CHD). Identifiers: MedGen C0152021, MONDO:0005453. Disease mechanism: unknown.

gnomAD v4.1: 2 of 1,613,896 alleles (0.00012%); highest among the groups gnomAD compares: Non-Finnish European, 0.00017%; no homozygotes.

Submissions (3):

Institute Of Molecular Biology And Genetics, Federal Almazov National Medical Research Centre
Classification: Likely pathogenic for Congenital heart disease; Congenital anomaly of kidney and urinary tract. Last evaluated: 2026-04-01. Review status: criteria provided, single submitter. Criteria: ACMG Guidelines, 2015. Collection method: clinical testing. Allele origin: germline. Affected: yes. Observed: 1 variant allele.
Comment: The variant NM_015557.3:c.4852C>T is a nonsense variant in CHD5 gene which is predicted to result in a premature stop codon (p.Arg1618Ter), and likely results in an absent or disrupted protein product (PVS1). Loss-of-function is a known mechanism for CHD5-related clinical conditions. The variant c.4852C>T is absent in population databases (no allele frequency in gnomAD) (PM2). Besides, it has records in ClinVar with pathogenic interpretation (Variation ID: 1307836).

GeneDx
Classification: Pathogenic. Last evaluated: 2025-11-22. Review status: criteria provided, single submitter. Criteria: GeneDx Variant Classification Process June 2021. Collection method: clinical testing. Allele origin: germline. Affected: yes.
Comment: Nonsense variant predicted to result in protein truncation or nonsense mediated decay in a gene for which loss of function is a known mechanism of disease; Not observed at significant frequency in large population cohorts (gnomAD); Has not been previously published as pathogenic or benign to our knowledge

Dasa
Classification: Likely pathogenic. Last evaluated: 2025-02-03. Review status: criteria provided, single submitter. Criteria: DASA Assertion Criteria. Collection method: clinical testing. Allele origin: germline.
Comment: NM_015557.3(CHD5):c.4852C>T (p.Arg1618*) is a nonsense variant in CHD5 predicted to introduce a premature termination codon and is predicted to result in an absent or altered protein product. Loss of function is an established disease mechanism for CHD5-associated disorders. Also, this variant is rare in population databases. Based on the currently available evidence, this variant is classified as likely pathogenic.

NM_015557.3(CHD5):c.4852C>T (p.Arg1618Ter)

Gene: CHD5 (chromodomain helicase DNA binding protein 5; minus strand). Cytogenetic location: 1p36.31.
Variant type: single nucleotide variant.
Coding change: c.4852C>T on transcript NM_015557.3 (MANE Select); coding-DNA position 4852, C replaced by T.
Protein change: p.Arg1618Ter; replaces arginine 1618 with a stop codon.
Molecular consequence: nonsense.
Genome position (GRCh38, 1-based): chr1:6,121,165, G>A on the plus strand (C>T on the coding strand, the complement: CHD5 is on the minus strand). VCF-style: chr1-6121165-G-A. GRCh37 (hg19) VCF-style: chr1-6181225-G-A.
Other names: p.Arg1618Ter; short protein forms R1618*.
Identifiers: ClinVar variation 1307836 (VCV001307836.6), dbSNP rs1223406120, ClinGen allele CA338069074.